The following is an entry in ClinVar:

NM_152598.4(MARCHF10):c.1759G>A (p.Gly587Ser)

Genes: MARCHF10 (membrane associated ring-CH-type finger 10; minus strand), MARCHF10-AS1 (MARCHF10 antisense RNA 1; plus strand). Cytogenetic location: 17q23.2.
Variant type: single nucleotide variant.
Coding change: c.1759G>A on transcript NM_152598.4 (MANE Select); coding-DNA position 1759, G replaced by A.
Protein change: p.Gly587Ser; replaces glycine 587 with serine.
Molecular consequence: missense variant. On other transcripts: non-coding transcript variant (1).
Genome position (GRCh38, 1-based): chr17:62,736,109, C>T on the plus strand (G>A on the coding strand, the complement: MARCHF10 is on the minus strand). VCF-style: chr17-62736109-C-T. GRCh37 (hg19) VCF-style: chr17-60813470-C-T.
Other names: c.1759G>A, p.Gly587Ser (NM_001100875.3); c.1873G>A, p.Gly625Ser (NM_001288779.2); c.1756G>A, p.Gly586Ser (NM_001288780.2); short protein forms G586S, G587S, G625S.
Identifiers: ClinVar variation 3043695 (VCV003043695.2), dbSNP rs116835087, ClinGen allele CA8696744.

ClinVar aggregate classification (germline): Benign (0 of 4 stars; one submission).

Conditions:
MARCHF10-related disorder. Also called: MARCHF10-related condition.

Allele frequency attached by ClinVar (database versions not stated): gnomAD exomes 0.00115; ExAC 0.00372; gnomAD 0.01202; TOPMed 0.01295; ESP Exome Variant Server 0.01338; 1000 Genomes Project 0.01398; 1000 Genomes Project 30x 0.01468.
gnomAD v4.1: 3,564 of 1,614,126 alleles (0.22%); highest among the groups gnomAD compares: African/African-American, 4.3%; 84 homozygotes.

Submission:

PreventionGenetics, part of Exact Sciences
Classification: Benign for MARCHF10-related condition. Last evaluated: 2019-02-22. Review status: no assertion criteria provided. Collection method: clinical testing. Allele origin: germline.
Comment: This variant is classified as benign based on ACMG/AMP sequence variant interpretation guidelines (Richards et al. 2015 PMID: 25741868, with internal and published modifications).